The following is an entry in ClinVar:

NM_000059.4(BRCA2):c.3506A>C (p.Asn1169Thr)

Gene: BRCA2 (BRCA2 DNA repair associated; plus strand). Cytogenetic location: 13q13.1.
Variant type: single nucleotide variant.
Coding change: c.3506A>C on transcript NM_000059.4 (MANE Select); coding-DNA position 3506, A replaced by C.
Protein change: p.Asn1169Thr; replaces asparagine 1169 with threonine.
Molecular consequence: missense variant.
Genome position (GRCh38, 1-based): chr13:32,337,861, A>C. VCF-style: chr13-32337861-A-C. GRCh37 (hg19) VCF-style: chr13-32911998-A-C.
Other names: short protein forms N1169T.
Identifiers: ClinVar variation 1321387 (VCV001321387.8), dbSNP rs1194031580, ClinGen allele CA387776976.
Genomic context (GRCh38, chr13:32,337,861, plus strand): 5'-TGACTATCTTAAAGACCACTTCTGAGGAATGCAGAGATGCTGATCTTCATGTCATAATGA[A>C]TGCCCCATCGATTGGTCAGGTAGACAGCAGCAAGCAATTTGAAGGTACAGTTGAAATTAA-3'
Protein context (NP_000050.3, residues 1159-1179): CRDADLHVIM[Asn1169Thr]APSIGQVDSS

ClinVar aggregate classification (germline): Conflicting classifications of pathogenicity. Review status: criteria provided, conflicting classifications (1 of 4 stars). 4 submissions from 4 submitters: Uncertain significance (3); Likely benign (1). Last evaluated 2025-07-14.

Conditions:
Hereditary cancer-predisposing syndrome. Also called: Hereditary neoplastic syndrome; Neoplastic Syndromes, Hereditary; Tumor predisposition; Hereditary Cancer Syndrome. Identifiers: Orphanet 140162, MedGen C0027672, MeSH D009386, MONDO:0015356.
Hereditary breast ovarian cancer syndrome. Also called: Hereditary breast and/or ovarian cancer syndrome; Hereditary breast and ovarian cancer syndrome; Hereditary breast and ovarian cancer; Breast and ovarian cancer; Hereditary breast and ovarian cancer syndrome (HBOC); BRCA1- and BRCA2-Associated Hereditary Breast and Ovarian Cancer. Identifiers: Orphanet 145, MedGen C0677776, MeSH D061325, MONDO:0003582. Disease mechanism: loss of function.

Allele frequency attached by ClinVar (database versions not stated): gnomAD exomes below 0.00001.
gnomAD v4.1: 1 of 1,614,106 alleles (0.000062%); highest among the groups gnomAD compares: Admixed American, 0.0017%; no homozygotes.

Submissions (4):

Ambry Genetics
Classification: Uncertain significance for Hereditary cancer-predisposing syndrome. Last evaluated: 2025-07-14. Review status: criteria provided, single submitter. Criteria: Ambry Variant Classification Scheme 2023. Collection method: clinical testing. Allele origin: germline.
Comment: The p.N1169T variant (also known as c.3506A>C), located in coding exon 10 of the BRCA2 gene, results from an A to C substitution at nucleotide position 3506. The asparagine at codon 1169 is replaced by threonine, an amino acid with similar properties. This amino acid position is conserved. In addition, this alteration is predicted to be tolerated by in silico analysis. Since supporting evidence is limited at this time, the clinical significance of this alteration remains unclear.

Labcorp Genetics (formerly Invitae), Labcorp
Classification: Uncertain significance for Hereditary breast ovarian cancer syndrome. Last evaluated: 2024-06-24. Review status: criteria provided, single submitter. Criteria: Invitae Variant Classification Sherloc (09022015). Collection method: clinical testing. Allele origin: germline.
Comment: This sequence change replaces asparagine, which is neutral and polar, with threonine, which is neutral and polar, at codon 1169 of the BRCA2 protein (p.Asn1169Thr). This variant is present in population databases (no rsID available, gnomAD 0.003%). This variant has not been reported in the literature in individuals affected with BRCA2-related conditions. ClinVar contains an entry for this variant (Variation ID: 1321387). Advanced modeling of protein sequence and biophysical properties (such as structural, functional, and spatial information, amino acid conservation, physicochemical variation, residue mobility, and thermodynamic stability) performed at Invitae indicates that this missense variant is not expected to disrupt BRCA2 protein function with a negative predictive value of 95%. In summary, the available evidence is currently insufficient to determine the role of this variant in disease. Therefore, it has been classified as a Variant of Uncertain Significance.

University of Washington Department of Laboratory Medicine, University of Washington
Classification: Likely benign for Hereditary cancer-predisposing syndrome. Last evaluated: 2023-03-23. Review status: criteria provided, single submitter. Criteria: Dines et al. (Genet Med. 2020). Collection method: curation. Allele origin: germline.
Comment: Missense variant in a coldspot region where missense variants are very unlikely to be pathogenic (PMID:31911673).

BRCA2 exon 11 coldspot. Reclassification based on statistical prior probability.

Women's Health and Genetics/Laboratory Corporation of America, LabCorp
Classification: Uncertain significance. Last evaluated: 2021-10-18. Review status: criteria provided, single submitter. Criteria: LabCorp Variant Classification Summary - May 2015. Collection method: clinical testing. Allele origin: germline.
Comment: Variant summary: BRCA2 c.3506A>C (p.Asn1169Thr) results in a non-conservative amino acid change in the encoded protein sequence. Three of five in-silico tools predict a benign effect of the variant on protein function. The variant allele was found at a frequency of 4e-06 in 250872 control chromosomes (gnomAD). The available data on variant occurrences in the general population are insufficient to allow any conclusion about variant significance. To our knowledge, no occurrence of c.3506A>C in individuals affected with Hereditary Breast And Ovarian Cancer Syndrome and no experimental evidence demonstrating its impact on protein function have been reported. No clinical diagnostic laboratories have submitted clinical-significance assessments for this variant to ClinVar after 2014. Based on the evidence outlined above, the variant was classified as uncertain significance.